The following is an entry in ClinVar:

NM_006218.4(PIK3CA):c.476C>G (p.Pro159Arg)

Gene: PIK3CA (phosphatidylinositol-4,5-bisphosphate 3-kinase catalytic subunit alpha; plus strand). Cytogenetic location: 3q26.32.
Variant type: single nucleotide variant.
Coding change: c.476C>G on transcript NM_006218.4 (MANE Select); coding-DNA position 476, C replaced by G.
Protein change: p.Pro159Arg; replaces proline 159 with arginine.
Molecular consequence: missense variant.
Genome position (GRCh38, 1-based): chr3:179,199,813, C>G. VCF-style: chr3-179199813-C-G. GRCh37 (hg19) VCF-style: chr3-178917601-C-G.
Other names: short protein forms P159R.
Identifiers: ClinVar variation 3888955 (VCV003888955.1).

ClinVar aggregate classification (germline): Uncertain significance (1 of 4 stars; one submission).

Conditions:
Inborn genetic diseases. Identifiers: MedGen C0950123, MeSH D030342.

Submission:

Ambry Genetics
Classification: Uncertain significance for Inborn genetic diseases. Last evaluated: 2025-02-22. Review status: criteria provided, single submitter. Criteria: Ambry Variant Classification Scheme 2023. Collection method: clinical testing. Allele origin: germline.
Comment: The p.P159R variant (also known as c.476C>G), located in coding exon 2 of the PIK3CA gene, results from a C to G substitution at nucleotide position 476. The proline at codon 159 is replaced by arginine, an amino acid with dissimilar properties. This amino acid position is conserved. In addition, the in silico prediction for this alteration is inconclusive. Based on the available evidence, the clinical significance of this variant remains unclear.